The following is an entry in ClinVar:

ClinVar aggregate classification (germline): Uncertain significance (1 of 4 stars; one submission).

Submission:

Labcorp Genetics (formerly Invitae), Labcorp
Classification: Uncertain significance. Last evaluated: 2025-06-17. Review status: criteria provided, single submitter. Criteria: Invitae Variant Classification Sherloc (09022015). Collection method: clinical testing. Allele origin: germline.
Comment: This sequence change replaces glutamine, which is neutral and polar, with histidine, which is basic and polar, at codon 558 of the ADCY10 protein (p.Gln558His). This variant is not present in population databases (gnomAD no frequency). This variant has not been reported in the literature in individuals affected with ADCY10-related conditions. An algorithm developed to predict the effect of missense changes on protein structure and function (PolyPhen-2) suggests that this variant is likely to be disruptive. In summary, the available evidence is currently insufficient to determine the role of this variant in disease. Therefore, it has been classified as a Variant of Uncertain Significance.

NM_018417.6(ADCY10):c.1674G>C (p.Gln558His)

Gene: ADCY10 (adenylate cyclase 10; minus strand). Cytogenetic location: 1q24.2.
Variant type: single nucleotide variant.
Coding change: c.1674G>C on transcript NM_018417.6 (MANE Select); coding-DNA position 1674, G replaced by C.
Protein change: p.Gln558His; replaces glutamine 558 with histidine.
Molecular consequence: missense variant.
Genome position (GRCh38, 1-based): chr1:167,861,006, C>G on the plus strand (G>C on the coding strand, the complement: ADCY10 is on the minus strand). VCF-style: chr1-167861006-C-G. GRCh37 (hg19) VCF-style: chr1-167830244-C-G.
Other names: c.1215G>C, p.Gln405His (NM_001167749.3); c.1398G>C, p.Gln466His (NM_001297772.2); short protein forms Q405H, Q466H, Q558H.
Identifiers: ClinVar variation 4694264 (VCV004694264.1).